The following is an entry in ClinVar:

ClinVar aggregate classification (germline): Uncertain significance (1 of 4 stars; one submission).

Conditions:
Chédiak-Higashi syndrome (CHS). Also called: Chediak-Higashi Syndrome. Identifiers: Orphanet 167, MedGen C0007965, MONDO:0008963, OMIM 214500.

gnomAD v4.1: 1 of 1,602,978 alleles (0.000062%); highest among the groups gnomAD compares: Non-Finnish European, 0.000085%; no homozygotes.

Submission:

Labcorp Genetics (formerly Invitae), Labcorp
Classification: Uncertain significance for Chédiak-Higashi syndrome. Last evaluated: 2025-10-06. Review status: criteria provided, single submitter. Criteria: Invitae Variant Classification Sherloc (09022015). Collection method: clinical testing. Allele origin: germline.
Comment: This sequence change replaces isoleucine, which is neutral and non-polar, with threonine, which is neutral and polar, at codon 2488 of the LYST protein (p.Ile2488Thr). This variant is not present in population databases (gnomAD no frequency). This variant has not been reported in the literature in individuals affected with LYST-related conditions. ClinVar contains an entry for this variant (Variation ID: 3691052). An algorithm developed to predict the effect of missense changes on protein structure and function (PolyPhen-2) suggests that this variant is likely to be tolerated. In summary, the available evidence is currently insufficient to determine the role of this variant in disease. Therefore, it has been classified as a Variant of Uncertain Significance.

NM_000081.4(LYST):c.7463T>C (p.Ile2488Thr)

Gene: LYST (lysosomal trafficking regulator; minus strand). Cytogenetic location: 1q42.3.
Variant type: single nucleotide variant.
Coding change: c.7463T>C on transcript NM_000081.4 (MANE Select); coding-DNA position 7463, T replaced by C.
Protein change: p.Ile2488Thr; replaces isoleucine 2488 with threonine.
Molecular consequence: missense variant.
Genome position (GRCh38, 1-based): chr1:235,752,169, A>G on the plus strand (T>C on the coding strand, the complement: LYST is on the minus strand). VCF-style: chr1-235752169-A-G. GRCh37 (hg19) VCF-style: chr1-235915469-A-G.
Other names: c.7463T>C, p.Ile2488Thr (NM_001301365.1); short protein forms I2488T.
Identifiers: ClinVar variation 3691052 (VCV003691052.2).